The following is an entry in ClinVar:

ClinVar aggregate classification (germline): Uncertain significance (1 of 4 stars; one submission).

Submission:

Labcorp Genetics (formerly Invitae), Labcorp
Classification: Uncertain significance. Last evaluated: 2023-11-17. Review status: criteria provided, single submitter. Criteria: Invitae Variant Classification Sherloc (09022015). Collection method: clinical testing. Allele origin: germline.
Comment: This sequence change replaces isoleucine, which is neutral and non-polar, with valine, which is neutral and non-polar, at codon 709 of the ADGRE2 protein (p.Ile709Val). This variant is not present in population databases (gnomAD no frequency). This variant has not been reported in the literature in individuals affected with ADGRE2-related conditions. Algorithms developed to predict the effect of missense changes on protein structure and function output the following: SIFT: "Not Available"; PolyPhen-2: "Probably Damaging"; Align-GVGD: "Not Available". The valine amino acid residue is found in multiple mammalian species, which suggests that this missense change does not adversely affect protein function. Algorithms developed to predict the effect of sequence changes on RNA splicing suggest that this variant may disrupt the consensus splice site. In summary, the available evidence is currently insufficient to determine the role of this variant in disease. Therefore, it has been classified as a Variant of Uncertain Significance.

NM_013447.4(ADGRE2):c.2125A>G (p.Ile709Val)

Gene: ADGRE2 (adhesion G protein-coupled receptor E2; minus strand). Cytogenetic location: 19p13.12.
Variant type: single nucleotide variant.
Coding change: c.2125A>G on transcript NM_013447.4 (MANE Select); coding-DNA position 2125, A replaced by G.
Protein change: p.Ile709Val; replaces isoleucine 709 with valine.
Molecular consequence: missense variant.
Genome position (GRCh38, 1-based): chr19:14,746,290, T>C on the plus strand (A>G on the coding strand, the complement: ADGRE2 is on the minus strand). VCF-style: chr19-14746290-T-C. GRCh37 (hg19) VCF-style: chr19-14857102-T-C.
Other names: c.1951A>G, p.Ile651Val (NM_001271052.1); c.1978A>G, p.Ile660Val (NM_152916.2); c.1846A>G, p.Ile616Val (NM_152917.2); short protein forms I651V, I616V, I660V, I709V.
Identifiers: ClinVar variation 2756735 (VCV002756735.3), dbSNP rs2512974753, ClinGen allele CA404451809.